The following is an entry in ClinVar:

ClinVar aggregate classification (germline): Uncertain significance (1 of 4 stars; one submission).

Submission:

GeneDx
Classification: Uncertain significance. Last evaluated: 2023-03-28. Review status: criteria provided, single submitter. Criteria: GeneDx Variant Classification Process June 2021. Collection method: clinical testing. Allele origin: germline. Affected: yes.
Comment: Not observed at significant frequency in large population cohorts (gnomAD); In silico analysis supports that this missense variant does not alter protein structure/function; Has not been previously published as pathogenic or benign to our knowledge

NM_181303.2(NLGN3):c.893C>T (p.Thr298Met)

Gene: NLGN3 (neuroligin 3; plus strand). Cytogenetic location: Xq13.1.
Variant type: single nucleotide variant.
Coding change: c.893C>T on transcript NM_181303.2 (MANE Select); coding-DNA position 893, C replaced by T.
Protein change: p.Thr298Met; replaces threonine 298 with methionine.
Molecular consequence: missense variant.
Genome position (GRCh38, 1-based): chrX:71,164,308, C>T. VCF-style: chrX-71164308-C-T. GRCh37 (hg19) VCF-style: chrX-70384158-C-T.
Other names: c.773C>T, p.Thr258Met (NM_001166660.2); c.482C>T, p.Thr161Met (NM_001321276.2); c.833C>T, p.Thr278Met (NM_018977.4); short protein forms T161M, T258M, T278M, T298M.
Identifiers: ClinVar variation 3342921 (VCV003342921.1).